The following is an entry in ClinVar:

NM_006267.5(RANBP2):c.5210A>G (p.Asn1737Ser)

Gene: RANBP2 (RAN binding protein 2; plus strand). Cytogenetic location: 2q13.
Variant type: single nucleotide variant.
Coding change: c.5210A>G on transcript NM_006267.5 (MANE Select); coding-DNA position 5210, A replaced by G.
Protein change: p.Asn1737Ser; replaces asparagine 1737 with serine.
Molecular consequence: missense variant.
Genome position (GRCh38, 1-based): chr2:108,765,749, A>G. VCF-style: chr2-108765749-A-G. GRCh37 (hg19) VCF-style: chr2-109382205-A-G.
Other names: short protein forms N1737S.
Identifiers: ClinVar variation 639815 (VCV000639815.9), dbSNP rs941661906, ClinGen allele CA53454487.

ClinVar aggregate classification (germline): Uncertain significance (1 of 4 stars; one submission).

Conditions:
Familial acute necrotizing encephalopathy (IIAE3). Also called: Susceptibility to Acute Necrotizing Encephalopathy 1; ENCEPHALOPATHY, ACUTE, INFECTION-INDUCED, SUSCEPTIBILITY TO, 3. Identifiers: Orphanet 88619, MedGen C2675556, MONDO:0011953, OMIM 608033.

Allele frequency attached by ClinVar (database versions not stated): gnomAD exomes below 0.00001; TOPMed below 0.00001; gnomAD 0.00001.
gnomAD v4.1: 5 of 1,614,044 alleles (0.00031%); highest among the groups gnomAD compares: South Asian, 0.0011%; no homozygotes.

Submission:

Labcorp Genetics (formerly Invitae), Labcorp
Classification: Uncertain significance for Familial acute necrotizing encephalopathy. Last evaluated: 2022-02-04. Review status: criteria provided, single submitter. Criteria: Invitae Variant Classification Sherloc (09022015). Collection method: clinical testing. Allele origin: germline.
Comment: In summary, the available evidence is currently insufficient to determine the role of this variant in disease. Therefore, it has been classified as a Variant of Uncertain Significance. Algorithms developed to predict the effect of missense changes on protein structure and function are either unavailable or do not agree on the potential impact of this missense change (SIFT: "Deleterious"; PolyPhen-2: "Probably Damaging"; Align-GVGD: "Class C0"). ClinVar contains an entry for this variant (Variation ID: 639815). This variant has not been reported in the literature in individuals affected with RANBP2-related conditions. This variant is not present in population databases (gnomAD no frequency). This sequence change replaces asparagine, which is neutral and polar, with serine, which is neutral and polar, at codon 1737 of the RANBP2 protein (p.Asn1737Ser).